The following is an entry in ClinVar:

ClinVar aggregate classification (germline): Uncertain significance (1 of 4 stars; one submission).

Allele frequency attached by ClinVar (database versions not stated): gnomAD 0.00001; ExAC 0.00002; ESP Exome Variant Server 0.00008; TOPMed 0.00001.
gnomAD v4.1: 23 of 1,613,878 alleles (0.0014%); highest among the groups gnomAD compares: Middle Eastern, 0.016%; no homozygotes.

Submission:

Labcorp Genetics (formerly Invitae), Labcorp
Classification: Uncertain significance. Last evaluated: 2025-10-13. Review status: criteria provided, single submitter. Criteria: Invitae Variant Classification Sherloc (09022015). Collection method: clinical testing. Allele origin: germline.
Comment: This sequence change replaces alanine, which is neutral and non-polar, with valine, which is neutral and non-polar, at codon 68 of the TCF20 protein (p.Ala68Val). This variant is present in population databases (rs148610859, gnomAD 0.004%). This variant has not been reported in the literature in individuals affected with TCF20-related conditions. ClinVar contains an entry for this variant (Variation ID: 2972652). An algorithm developed to predict the effect of missense changes on protein structure and function (PolyPhen-2) suggests that this variant is likely to be tolerated. In summary, the available evidence is currently insufficient to determine the role of this variant in disease. Therefore, it has been classified as a Variant of Uncertain Significance.

NM_001378418.1(TCF20):c.203C>T (p.Ala68Val)

Gene: TCF20 (transcription factor 20; minus strand). Cytogenetic location: 22q13.2.
Variant type: single nucleotide variant.
Coding change: c.203C>T on transcript NM_001378418.1 (MANE Select); coding-DNA position 203, C replaced by T.
Protein change: p.Ala68Val; replaces alanine 68 with valine.
Molecular consequence: missense variant.
Genome position (GRCh38, 1-based): chr22:42,215,103, G>A on the plus strand (C>T on the coding strand, the complement: TCF20 is on the minus strand). VCF-style: chr22-42215103-G-A. GRCh37 (hg19) VCF-style: chr22-42611109-G-A.
Other names: c.203C>T, p.Ala68Val (NM_005650.4, NM_181492.3); short protein forms A68V.
Identifiers: ClinVar variation 2972652 (VCV002972652.3), dbSNP rs148610859, ClinGen allele CA10267411.